The following is an entry in ClinVar:

ClinVar aggregate classification (germline): Uncertain significance (1 of 4 stars; one submission).

Conditions:
Myopathy, centronuclear, 2 (CNM2). Also called: MYOTUBULAR MYOPATHY, AUTOSOMAL RECESSIVE. Identifiers: Orphanet 169186, MedGen CN031787, MONDO:0009709, OMIM 255200.

Allele frequency attached by ClinVar (database versions not stated): TOPMed below 0.00001.

Submission:

Labcorp Genetics (formerly Invitae), Labcorp
Classification: Uncertain significance for Myopathy, centronuclear, 2. Last evaluated: 2022-01-03. Review status: criteria provided, single submitter. Criteria: Invitae Variant Classification Sherloc (09022015). Collection method: clinical testing. Allele origin: germline.
Comment: In summary, the available evidence is currently insufficient to determine the role of this variant in disease. Therefore, it has been classified as a Variant of Uncertain Significance. Algorithms developed to predict the effect of missense changes on protein structure and function are either unavailable or do not agree on the potential impact of this missense change (SIFT: "Tolerated"; PolyPhen-2: "Possibly Damaging"; Align-GVGD: "Class C0"). This variant has not been reported in the literature in individuals affected with BIN1-related conditions. This variant is not present in population databases (gnomAD no frequency). This sequence change replaces valine, which is neutral and non-polar, with glutamic acid, which is acidic and polar, at codon 221 of the BIN1 protein (p.Val221Glu).

NM_139343.3(BIN1):c.662T>A (p.Val221Glu)

Gene: BIN1 (bridging integrator 1; minus strand). Cytogenetic location: 2q14.3.
Variant type: single nucleotide variant.
Coding change: c.662T>A on transcript NM_139343.3 (MANE Select); coding-DNA position 662, T replaced by A.
Protein change: p.Val221Glu; replaces valine 221 with glutamic acid.
Molecular consequence: missense variant.
Genome position (GRCh38, 1-based): chr2:127,063,969, A>T on the plus strand (T>A on the coding strand, the complement: BIN1 is on the minus strand). VCF-style: chr2-127063969-A-T. GRCh37 (hg19) VCF-style: chr2-127821545-A-T.
Other names: c.569T>A, p.Val190Glu (NM_001320632.2, NM_001320641.2, NM_004305.4 and 6 more transcripts); c.662T>A, p.Val221Glu (NM_001320633.2, NM_001320640.2, NM_139344.3 and 1 more transcripts); c.497T>A, p.Val166Glu (NM_001320634.1); c.581T>A, p.Val194Glu (NM_001320642.1); short protein forms V166E, V194E, V190E, V221E.
Identifiers: ClinVar variation 2073113 (VCV002073113.4), dbSNP rs1684839429, ClinGen allele CA348382126.